The following is an entry in ClinVar:

GRCh38/hg38 16p12.1-11.2(chr16:28061312-28584375)x3

Genes: APOBR (apolipoprotein B receptor; plus strand), CLN3 (CLN3 lysosomal/endosomal transmembrane protein, battenin; minus strand), EIF3CL (eukaryotic translation initiation factor 3 subunit C like; minus strand), GSG1L (GSG1 like; minus strand), IL27 (interleukin 27; minus strand) and 22 more. Cytogenetic location: 16p12.1-11.2.
Variant type: copy number gain.
Change: copy number 3 (three copies instead of two) of chr16:28,061,312-28,584,375 (523.1 kb, GRCh38 coordinates, 1-based), cytogenetic band 16p12.1-11.2.
Identifiers: ClinVar variation 59990 (VCV000059990.1).

ClinVar aggregate classification (germline): Uncertain significance (1 of 4 stars; one submission).

Submission:

ISCA site 14
Classification: Uncertain significance. Last evaluated: 2011-08-12. Review status: criteria provided, single submitter. Criteria: Kaminsky et al. (Genet Med. 2011). Collection method: clinical testing. Allele origin: unknown. Affected: yes. Observed: 1 variant allele.
Comment: Copy number variation identified through the course of routine clinical cytogenomic testing in postnatal populations. Clinical assertions have been curated as described in Kaminsky et al. 2011.